The following is an entry in ClinVar:

ClinVar aggregate classification (germline): Conflicting classifications of pathogenicity. Review status: criteria provided, conflicting classifications (1 of 4 stars). 2 submissions from 2 submitters: Uncertain significance (1); Likely benign (1). Last evaluated 2025-12-08.

Allele frequency attached by ClinVar (database versions not stated): TOPMed 0.00002; gnomAD exomes 0.00004; ExAC 0.00005; gnomAD 0.00011.
gnomAD v4.1: 80 of 1,613,692 alleles (0.005%); highest among the groups gnomAD compares: South Asian, 0.011%; 1 homozygote.

Submissions (2):

Labcorp Genetics (formerly Invitae), Labcorp
Classification: Likely benign. Last evaluated: 2025-12-08. Review status: criteria provided, single submitter. Criteria: Invitae Variant Classification Sherloc (09022015). Collection method: clinical testing. Allele origin: germline.

GeneDx
Classification: Uncertain significance. Last evaluated: 2025-07-28. Review status: criteria provided, single submitter. Criteria: GeneDx Variant Classification Process June 2021. Collection method: clinical testing. Allele origin: germline. Affected: yes.
Comment: In silico analysis suggests that this missense variant does not alter protein structure/function; Has not been previously published as pathogenic or benign to our knowledge

NM_022124.6(CDH23):c.5936C>T (p.Thr1979Met)

Gene: CDH23 (cadherin related 23; plus strand). Cytogenetic location: 10q22.1.
Variant type: single nucleotide variant.
Coding change: c.5936C>T on transcript NM_022124.6 (MANE Select); coding-DNA position 5936, C replaced by T.
Protein change: p.Thr1979Met; replaces threonine 1979 with methionine.
Molecular consequence: missense variant.
Genome position (GRCh38, 1-based): chr10:71,790,300, C>T. VCF-style: chr10-71790300-C-T. GRCh37 (hg19) VCF-style: chr10-73550057-C-T.
Other names: c.5936C>T (NM_022124.5); short protein forms T1979M.
Identifiers: ClinVar variation 2156953 (VCV002156953.5), dbSNP rs770176407, ClinGen allele CA5545944.